The following is an entry in ClinVar:

ClinVar aggregate classification (germline): Uncertain significance (1 of 4 stars; one submission).

Conditions:
Inborn genetic diseases. Identifiers: MedGen C0950123, MeSH D030342.

Submission:

Ambry Genetics
Classification: Uncertain significance for Inborn genetic diseases. Last evaluated: 2026-07-08. Review status: criteria provided, single submitter. Criteria: Ambry Variant Classification Scheme 2023. Collection method: clinical testing. Allele origin: germline.
Comment: The p.S277R variant (also known as c.831C>G), located in coding exon 8 of the ANKRD26 gene, results from a C to G substitution at nucleotide position 831. The serine at codon 277 is replaced by arginine, an amino acid with dissimilar properties. This amino acid position is conserved. In addition, this alteration is predicted to be tolerated by in silico analysis. Based on the available evidence, the clinical significance of this variant remains unclear.

NM_014915.3(ANKRD26):c.831C>G (p.Ser277Arg)

Gene: ANKRD26 (ankyrin repeat domain 26; minus strand). Cytogenetic location: 10p12.1.
Variant type: single nucleotide variant.
Coding change: c.831C>G on transcript NM_014915.3 (MANE Select); coding-DNA position 831, C replaced by G.
Protein change: p.Ser277Arg; replaces serine 277 with arginine.
Molecular consequence: missense variant.
Genome position (GRCh38, 1-based): chr10:27,077,676, G>C on the plus strand (C>G on the coding strand, the complement: ANKRD26 is on the minus strand). VCF-style: chr10-27077676-G-C. GRCh37 (hg19) VCF-style: chr10-27366605-G-C.
Other names: c.831C>G, p.Ser277Arg (NM_001256053.2); short protein forms S277R.
Identifiers: ClinVar variation 5022973 (VCV005022973.1).